The following is an entry in ClinVar:

ClinVar aggregate classification (germline): Uncertain significance (1 of 4 stars; one submission).

Submission:

Labcorp Genetics (formerly Invitae), Labcorp
Classification: Uncertain significance. Last evaluated: 2022-12-30. Review status: criteria provided, single submitter. Criteria: Invitae Variant Classification Sherloc (09022015). Collection method: clinical testing. Allele origin: germline.
Comment: This sequence change replaces glutamic acid, which is acidic and polar, with glutamine, which is neutral and polar, at codon 82 of the CTNNA1 protein (p.Glu82Gln). This variant is not present in population databases (gnomAD no frequency). In summary, the available evidence is currently insufficient to determine the role of this variant in disease. Therefore, it has been classified as a Variant of Uncertain Significance. Advanced modeling of protein sequence and biophysical properties (such as structural, functional, and spatial information, amino acid conservation, physicochemical variation, residue mobility, and thermodynamic stability) performed at Invitae indicates that this missense variant is not expected to disrupt CTNNA1 protein function. This variant has not been reported in the literature in individuals affected with CTNNA1-related conditions.

NM_001903.5(CTNNA1):c.244G>C (p.Glu82Gln)

Gene: CTNNA1 (catenin alpha 1; plus strand). Cytogenetic location: 5q31.2.
Variant type: single nucleotide variant.
Coding change: c.244G>C on transcript NM_001903.5 (MANE Select); coding-DNA position 244, G replaced by C.
Protein change: p.Glu82Gln; replaces glutamic acid 82 with glutamine.
Molecular consequence: missense variant. On other transcripts: intron variant (2).
Genome position (GRCh38, 1-based): chr5:138,783,315, G>C. VCF-style: chr5-138783315-G-C. GRCh37 (hg19) VCF-style: chr5-138119004-G-C.
Other names: c.244G>C, p.Glu82Gln (NM_001290307.3, NM_001323982.2, NM_001323983.1 and 3 more transcripts); c.-6+43G>C (NM_001290310.3); c.-9+1286G>C (NM_001290309.3); short protein forms E82Q.
Identifiers: ClinVar variation 2888394 (VCV002888394.3), dbSNP rs2149656723, ClinGen allele CA361477586.